The following is an entry in ClinVar:

ClinVar aggregate classification (germline): Conflicting classifications of pathogenicity. Review status: criteria provided, conflicting classifications (1 of 4 stars). 2 submissions from 2 submitters: Likely pathogenic (1); Uncertain significance (1). Last evaluated 2024-12-18.

Conditions:
Neurofibromatosis, type 2 (SWNV). Also called: SCHWANNOMATOSIS, VESTIBULAR; BILATERAL ACOUSTIC NEUROFIBROMATOSIS; NF2-Related Schwannomatosis. Identifiers: Orphanet 637, MedGen C0027832, MONDO:0007039, OMIM 101000. Disease mechanism: loss of function.

gnomAD v4.1: 1 of 1,614,218 alleles (0.000062%); highest among the groups gnomAD compares: Non-Finnish European, 0.000085%; no homozygotes.

Submissions (3):

Labcorp Genetics (formerly Invitae), Labcorp
Classification: Likely pathogenic for Neurofibromatosis, type 2. Last evaluated: 2024-12-18. Review status: criteria provided, single submitter. Criteria: Invitae Variant Classification Sherloc (09022015). Collection method: clinical testing. Allele origin: germline.
Comment: This sequence change falls in intron 7 of the NF2 gene. It does not directly change the encoded amino acid sequence of the NF2 protein. RNA analysis indicates that this variant induces altered splicing and likely results in a shortened protein product. This variant is not present in population databases (gnomAD no frequency). This variant has been observed in individual(s) with clinical features of neurofibromatosis type 2 (PMID: 15684865; internal data). It has also been observed to segregate with disease in related individuals. ClinVar contains an entry for this variant (Variation ID: 2737029). Studies have shown that this variant results in skipping of skipping of exon 8 , but is expected to preserve the integrity of the reading-frame (internal data). In summary, the currently available evidence indicates that the variant is pathogenic, but additional data are needed to prove that conclusively. Therefore, this variant has been classified as Likely Pathogenic.

Juno Genomics, Hangzhou Juno Genomics, Inc
Classification: Uncertain significance for Neurofibromatosis, type 2. Review status: criteria provided, single submitter. Criteria: ACMG Guidelines, 2015. Collection method: clinical testing. Allele origin: germline. Affected: yes.
Comment: Absent from controls (or at extremely low frequency if recessive) in Genome Aggregation Database, Exome Sequencing Project, 1000 Genomes Project, or Exome Aggregation Consortium.;Multiple lines of computational evidence support a deleterious effect on the gene or gene product (conservation, evolutionary, splicing impact, etc).;The prevalence of the variant in affected individuals is significantly increased compared to the prevalence in controls.;Patient's phenotype or family history is highly specific for a disease with a single genetic etiology.

Dr. Peter K. Rogan Lab, Western University
No classification provided (evidence only). Condition: Sarcoma. Review status: no classification provided. Collection method: in vitro. Allele origin: not applicable. Functional consequence: skipped exon. Not counted in ClinVar's aggregate classification.

Literature cited by the submitters: PubMed 15684865 (cited by Labcorp Genetics (formerly Invitae), Labcorp).

NM_000268.4(NF2):c.676-7T>G

Gene: NF2 (NF2, moesin-ezrin-radixin like (MERLIN) tumor suppressor; plus strand). Cytogenetic location: 22q12.2.
Variant type: single nucleotide variant.
Coding change: c.676-7T>G on transcript NM_000268.4 (MANE Select); 7 bases into the intron before coding-DNA position 676, T replaced by G.
Molecular consequence: intron variant.
Genome position (GRCh38, 1-based): chr22:29,661,198, T>G. VCF-style: chr22-29661198-T-G. GRCh37 (hg19) VCF-style: chr22-30057187-T-G.
Other names: c.676-7T>G (NM_016418.5, NM_181832.3, NM_001407060.1 and 2 more transcripts); c.562-7T>G (NM_001407056.1, NM_001407053.1); c.445-7T>G (NM_001407067.1); c.142-7T>G (NM_001407065.1); c.675+2934T>G (NM_001407059.1, NM_001407057.1); c.447+18913T>G (NM_181833.3); c.553-7T>G (NM_001407058.1, NM_181829.3, NM_001407054.1); c.552+2934T>G (NM_001407062.1); and 2 more.
Identifiers: ClinVar variation 2737029 (VCV002737029.6), dbSNP rs2518595186, ClinGen allele CA2656031320.